The following is an entry in ClinVar:

NM_000338.3(SLC12A1):c.3094A>G (p.Lys1032Glu)

Gene: SLC12A1 (solute carrier family 12 member 1; plus strand). Cytogenetic location: 15q21.1.
Variant type: single nucleotide variant.
Coding change: c.3094A>G on transcript NM_000338.3 (MANE Select); coding-DNA position 3094, A replaced by G.
Protein change: p.Lys1032Glu; replaces lysine 1032 with glutamic acid.
Molecular consequence: missense variant.
Genome position (GRCh38, 1-based): chr15:48,299,273, A>G. VCF-style: chr15-48299273-A-G. GRCh37 (hg19) VCF-style: chr15-48591470-A-G.
Other names: c.3094A>G, p.Lys1032Glu (NM_001184832.2, NM_001384136.1); short protein forms K1032E.
Identifiers: ClinVar variation 3256887 (VCV003256887.1).

ClinVar aggregate classification (germline): Uncertain significance (1 of 4 stars; one submission).

Conditions:
Bartter disease type 1. Also called: HYPERPROSTAGLANDIN E SYNDROME 1; Bartter syndrome, type 1, antenatal; HYPOKALEMIC ALKALOSIS WITH HYPERCALCIURIA 1, ANTENATAL; Bartter Syndrome type 1. Identifiers: Orphanet 112, Orphanet 620217, MedGen C1866495, MONDO:0100344, OMIM 601678, MONDO:0011127.

Submission:

MVZ Medizinische Genetik Mainz
Classification: Uncertain significance for Bartter disease type 1. Last evaluated: 2024-05-07. Review status: criteria provided, single submitter. Criteria: UK Practice Guidelines For Variant Classification V4 01 2020. Collection method: clinical testing. Allele origin: germline. Inheritance: Autosomal recessive inheritance. Affected: yes. Observed: 1 variant allele.
Comment: ACMG Criteria: PP3_MOD,PM2_SUP,PP4